The following is an entry in ClinVar:

NM_198578.4(LRRK2):c.5053T>A (p.Cys1685Ser)

Gene: LRRK2 (leucine rich repeat kinase 2; plus strand). Cytogenetic location: 12q12.
Variant type: single nucleotide variant.
Coding change: c.5053T>A on transcript NM_198578.4 (MANE Select); coding-DNA position 5053, T replaced by A.
Protein change: p.Cys1685Ser; replaces cysteine 1685 with serine.
Molecular consequence: missense variant.
Genome position (GRCh38, 1-based): chr12:40,321,071, T>A. VCF-style: chr12-40321071-T-A. GRCh37 (hg19) VCF-style: chr12-40714873-T-A.
Other names: short protein forms C1685S.
Identifiers: ClinVar variation 3229680 (VCV003229680.1), dbSNP rs1041380553, ClinGen allele CA235362495.

ClinVar aggregate classification (germline): Uncertain significance (1 of 4 stars; one submission).

Conditions:
Inborn genetic diseases. Identifiers: MedGen C0950123, MeSH D030342.

Allele frequency attached by ClinVar (database versions not stated): TOPMed 0.00001.

Submission:

Ambry Genetics
Classification: Uncertain significance for Inborn genetic diseases. Last evaluated: 2024-01-16. Review status: criteria provided, single submitter. Criteria: Ambry Variant Classification Scheme 2023. Collection method: clinical testing. Allele origin: germline.
Comment: The p.C1685S variant (also known as c.5053T>A), located in coding exon 35 of the LRRK2 gene, results from a T to A substitution at nucleotide position 5053. The cysteine at codon 1685 is replaced by serine, an amino acid with dissimilar properties. This amino acid position is conserved. In addition, this alteration is predicted to be deleterious by in silico analysis. Since supporting evidence is limited at this time, the clinical significance of this alteration remains unclear.